The following is an entry in ClinVar:

ClinVar aggregate classification (germline): Uncertain significance. Review status: criteria provided, multiple submitters, no conflicts (2 of 4 stars). 3 submissions from 3 submitters: Uncertain significance (3). Last evaluated 2026-06-07.

Conditions:
Inborn genetic diseases. Identifiers: MedGen C0950123, MeSH D030342.

Allele frequency attached by ClinVar (database versions not stated): ExAC 0.00002; TOPMed 0.00002; gnomAD 0.00004.
gnomAD v4.1: 34 of 1,613,334 alleles (0.0021%); highest among the groups gnomAD compares: African/African-American, 0.013%; no homozygotes.

Submissions (3):

Revvity Omics, Revvity
Classification: Uncertain significance. Last evaluated: 2026-06-07. Review status: criteria provided, single submitter. Criteria: ACMG Guidelines, 2015. Collection method: clinical testing. Allele origin: germline.

Labcorp Genetics (formerly Invitae), Labcorp
Classification: Uncertain significance. Last evaluated: 2025-11-28. Review status: criteria provided, single submitter. Criteria: Invitae Variant Classification Sherloc (09022015). Collection method: clinical testing. Allele origin: germline.
Comment: This sequence change replaces arginine, which is basic and polar, with cysteine, which is neutral and slightly polar, at codon 679 of the CNNM2 protein (p.Arg679Cys). This variant is present in population databases (rs200419339, gnomAD 0.03%). This variant has not been reported in the literature in individuals affected with CNNM2-related conditions. ClinVar contains an entry for this variant (Variation ID: 2463656). Invitae Evidence Modeling of protein sequence and biophysical properties (such as structural, functional, and spatial information, amino acid conservation, physicochemical variation, residue mobility, and thermodynamic stability) indicates that this missense variant is not expected to disrupt CNNM2 protein function with a negative predictive value of 80%. In summary, the available evidence is currently insufficient to determine the role of this variant in disease. Therefore, it has been classified as a Variant of Uncertain Significance.

Ambry Genetics
Classification: Uncertain significance for Inborn genetic diseases. Last evaluated: 2023-03-01. Review status: criteria provided, single submitter. Criteria: Ambry Variant Classification Scheme 2023. Collection method: clinical testing. Allele origin: germline.

NM_017649.5(CNNM2):c.2035C>T (p.Arg679Cys)

Gene: CNNM2 (cyclin and CBS domain divalent metal cation transport mediator 2; plus strand). Cytogenetic location: 10q24.32.
Variant type: single nucleotide variant.
Coding change: c.2035C>T on transcript NM_017649.5 (MANE Select); coding-DNA position 2035, C replaced by T.
Protein change: p.Arg679Cys; replaces arginine 679 with cysteine.
Molecular consequence: missense variant.
Genome position (GRCh38, 1-based): chr10:103,056,926, C>T. VCF-style: chr10-103056926-C-T. GRCh37 (hg19) VCF-style: chr10-104816683-C-T.
Other names: c.2035C>T, p.Arg679Cys (NM_199076.3); short protein forms R679C.
Identifiers: ClinVar variation 2463656 (VCV002463656.4), dbSNP rs200419339, ClinGen allele CA5670509.